The following is an entry in ClinVar:

ClinVar aggregate classification (germline): Uncertain significance (1 of 4 stars; one submission).

Allele frequency attached by ClinVar (database versions not stated): gnomAD exomes below 0.00001 and 0.00001; ExAC 0.00002.
gnomAD v4.1: 4 of 1,606,054 alleles (0.00025%); highest among the groups gnomAD compares: Non-Finnish European, 0.00034%; no homozygotes.

Submission:

GeneDx
Classification: Uncertain significance. Last evaluated: 2021-03-31. Review status: criteria provided, single submitter. Criteria: GeneDx Variant Classification Process June 2021. Collection method: clinical testing. Allele origin: germline. Affected: yes.
Comment: Not observed at a significant frequency in large population cohorts (Lek et al., 2016); Nonsense variant predicted to result in protein truncation as the last 30 amino acids are lost, although loss-of-function variants have not been reported downstream of this position in the protein; Has not been previously published as pathogenic or benign to our knowledge

NM_144991.3(TSPEAR):c.1920G>A (p.Trp640Ter)

Gene: TSPEAR (thrombospondin type laminin G domain and EAR repeats; minus strand). Cytogenetic location: 21q22.3.
Variant type: single nucleotide variant.
Coding change: c.1920G>A on transcript NM_144991.3 (MANE Select); coding-DNA position 1920, G replaced by A.
Protein change: p.Trp640Ter; replaces tryptophan 640 with a stop codon.
Molecular consequence: nonsense.
Genome position (GRCh38, 1-based): chr21:44,499,873, C>T on the plus strand (G>A on the coding strand, the complement: TSPEAR is on the minus strand). VCF-style: chr21-44499873-C-T. GRCh37 (hg19) VCF-style: chr21-45919756-C-T.
Other names: c.1716G>A, p.Trp572Ter (NM_001272037.2); short protein forms W572*, W640*.
Identifiers: ClinVar variation 1314379 (VCV001314379.2), dbSNP rs781928408, ClinGen allele CA10056255.